The following is an entry in ClinVar:

NM_004991.4(MECOM):c.2149T>C (p.Ser717Pro)

Gene: MECOM (MDS1 and EVI1 complex locus; minus strand). Cytogenetic location: 3q26.2.
Variant type: single nucleotide variant.
Coding change: c.2149T>C on transcript NM_004991.4 (MANE Select); coding-DNA position 2149, T replaced by C.
Protein change: p.Ser717Pro; replaces serine 717 with proline.
Molecular consequence: missense variant.
Genome position (GRCh38, 1-based): chr3:169,115,723, A>G on the plus strand (T>C on the coding strand, the complement: MECOM is on the minus strand). VCF-style: chr3-169115723-A-G. GRCh37 (hg19) VCF-style: chr3-168833511-A-G.
Other names: c.1780T>C, p.Ser594Pro (NM_001105077.4); c.1585T>C, p.Ser529Pro (NM_001105078.4, NM_001164000.2, NM_001205194.2 and 4 more transcripts); c.1588T>C, p.Ser530Pro (NM_001163999.2, NM_001366467.2, NM_001366468.2 and 1 more transcripts); c.2149T>C, p.Ser717Pro (NM_001366466.2); c.1177T>C, p.Ser393Pro (NM_001366473.2); c.613T>C, p.Ser205Pro (NM_001366474.2); short protein forms S529P, S530P, S594P, S717P, S393P, S205P.
Identifiers: ClinVar variation 3293934 (VCV003293934.2).

ClinVar aggregate classification (germline): Uncertain significance (1 of 4 stars; one submission).

Conditions:
Inborn genetic diseases. Identifiers: MedGen C0950123, MeSH D030342.

gnomAD v4.1: 1 of 1,614,174 alleles (0.000062%); highest among the groups gnomAD compares: South Asian, 0.0011%; no homozygotes.

Submission:

Ambry Genetics
Classification: Uncertain significance for Inborn genetic diseases. Last evaluated: 2026-04-22. Review status: criteria provided, single submitter. Criteria: Ambry Variant Classification Scheme 2023. Collection method: clinical testing. Allele origin: germline.
Comment: The p.S717P variant (also known as c.2149T>C), located in coding exon 8 of the MECOM gene, results from a T to C substitution at nucleotide position 2149. The serine at codon 717 is replaced by proline, an amino acid with similar properties. This amino acid position is conserved. In addition, this alteration is predicted to be tolerated by in silico analysis. Based on the available evidence, the clinical significance of this variant remains unclear.